The following is an entry in ClinVar:

GRCh38/hg38 15q11.2(chr15:22600363-23119335)x1

Genes: CYFIP1 (cytoplasmic FMR1 interacting protein 1; minus strand), NIPA1 (NIPA magnesium transporter 1; plus strand), NIPA2 (NIPA magnesium transporter 2; plus strand), TUBGCP5 (tubulin gamma complex component 5; minus strand), LOC112272575 (Sharpr-MPRA regulatory region 8478; plus strand) and 15 more. Cytogenetic location: 15q11.2.
Variant type: copy number loss.
Change: copy number 1 (one copy instead of two) of chr15:22,600,363-23,119,335 (519.0 kb, GRCh38 coordinates, 1-based), cytogenetic band 15q11.2.
Identifiers: ClinVar variation 4890944 (VCV004890944.1).

ClinVar aggregate classification (germline): Pathogenic (1 of 4 stars; one submission).

Submission:

Clinical Genomics Laboratory, Laboratory for Precision Diagnostics, University of Washington
Classification: Pathogenic. Last evaluated: 2023-08-04. Review status: criteria provided, single submitter. Criteria: ACMG/ClinGen CNV Guidelines, 2019. Collection method: clinical testing. Allele origin: unknown. Affected: yes. Observed: 1 variant allele.
Comment: This interstitial deletion is the recurrent 15q11.2 BP1-BP2 microdeletion.

Literature cited by the submitters: PubMed 28387067; PubMed 21841781; PubMed 25689425; PubMed 31665216; PubMed 31451536; PubMed 23258348.